The following is an entry in ClinVar:

ClinVar aggregate classification (germline): Uncertain significance (1 of 4 stars; one submission).

gnomAD v4.1: 1 of 1,612,406 alleles (0.000062%); highest among the groups gnomAD compares: Non-Finnish European, 0.000085%; no homozygotes.

Submission:

Labcorp Genetics (formerly Invitae), Labcorp
Classification: Uncertain significance. Last evaluated: 2025-10-24. Review status: criteria provided, single submitter. Criteria: Invitae Variant Classification Sherloc (09022015). Collection method: clinical testing. Allele origin: germline.
Comment: This sequence change replaces glycine, which is neutral and non-polar, with arginine, which is basic and polar, at codon 90 of the BLK protein (p.Gly90Arg). This variant is not present in population databases (gnomAD no frequency). This variant has not been reported in the literature in individuals affected with BLK-related conditions. An algorithm developed to predict the effect of missense changes on protein structure and function (PolyPhen-2) suggests that this variant is likely to be tolerated. In summary, the available evidence is currently insufficient to determine the role of this variant in disease. Therefore, it has been classified as a Variant of Uncertain Significance.

NM_001715.3(BLK):c.268G>A (p.Gly90Arg)

Gene: BLK (BLK proto-oncogene, Src family tyrosine kinase). Cytogenetic location: 8p23.1.
Variant type: single nucleotide variant.
Coding change: c.268G>A on transcript NM_001715.3 (MANE Select); coding-DNA position 268, G replaced by A.
Protein change: p.Gly90Arg; replaces glycine 90 with arginine.
Molecular consequence: missense variant.
Genome position (GRCh38, 1-based): chr8:11,548,124, G>A. VCF-style: chr8-11548124-G-A. GRCh37 (hg19) VCF-style: chr8-11405633-G-A.
Other names: c.55G>A, p.Gly19Arg (NM_001330465.2); short protein forms G90R, G19R.
Identifiers: ClinVar variation 4729805 (VCV004729805.1).